The following is an entry in ClinVar:

ClinVar aggregate classification (germline): Uncertain significance (1 of 4 stars; one submission).

Conditions:
Hereditary diffuse gastric adenocarcinoma (HDGC). Also called: DIFFUSE GASTRIC AND LOBULAR BREAST CANCER SYNDROME. Identifiers: Orphanet 26106, MedGen C1708349, MONDO:0007648, OMIM 137215.

gnomAD v4.1: 5 of 1,614,150 alleles (0.00031%); highest among the groups gnomAD compares: Non-Finnish European, 0.00042%; no homozygotes.

Submission:

Labcorp Genetics (formerly Invitae), Labcorp
Classification: Uncertain significance for Hereditary diffuse gastric adenocarcinoma. Last evaluated: 2026-01-26. Review status: criteria provided, single submitter. Criteria: Invitae Variant Classification Sherloc (09022015). Collection method: clinical testing. Allele origin: germline.
Comment: This sequence change replaces aspartic acid, which is acidic and polar, with alanine, which is neutral and non-polar, at codon 155 of the CDH1 protein (p.Asp155Ala). This variant is not present in population databases (gnomAD no frequency). This variant has not been reported in the literature in individuals affected with CDH1-related conditions. An algorithm developed to predict the effect of missense changes on protein structure and function (PolyPhen-2) suggests that this variant is likely to be disruptive. In summary, the available evidence is currently insufficient to determine the role of this variant in disease. Therefore, it has been classified as a Variant of Uncertain Significance.

NM_004360.5(CDH1):c.464A>C (p.Asp155Ala)

Gene: CDH1 (cadherin 1; plus strand). Cytogenetic location: 16q22.1.
Variant type: single nucleotide variant.
Coding change: c.464A>C on transcript NM_004360.5 (MANE Select); coding-DNA position 464, A replaced by C.
Protein change: p.Asp155Ala; replaces aspartic acid 155 with alanine.
Molecular consequence: missense variant. On other transcripts: 5 prime UTR variant (2).
Genome position (GRCh38, 1-based): chr16:68,808,500, A>C. VCF-style: chr16-68808500-A-C. GRCh37 (hg19) VCF-style: chr16-68842403-A-C.
Other names: c.464A>C, p.Asp155Ala (NM_001317184.2); c.-1152A>C (NM_001317185.2); c.-1356A>C (NM_001317186.2); short protein forms D155A.
Identifiers: ClinVar variation 4804540 (VCV004804540.1).
Genomic context (GRCh38, chr16:68,808,500, plus strand): 5'-TCCAAGCAGAATTGCTCACATTTCCCAACTCCTCTCCTGGCCTCAGAAGACAGAAGAGAG[A>C]CTGGGTTATTCCTCCCATCAGCTGCCCAGAAAATGAAAAAGGCCCATTTCCTAAAAACCT-3'
Protein context (NP_004351.1, residues 145-165): SSPGLRRQKR[Asp155Ala]WVIPPISCPE